The following is an entry in ClinVar:

NM_000051.4(ATM):c.7581G>A (p.Met2527Ile)

Genes: ATM (ATM serine/threonine kinase; plus strand), C11orf65 (chromosome 11 open reading frame 65; minus strand). Cytogenetic location: 11q22.3.
Variant type: single nucleotide variant.
Coding change: c.7581G>A on transcript NM_000051.4 (MANE Select); coding-DNA position 7581, G replaced by A.
Protein change: p.Met2527Ile; replaces methionine 2527 with isoleucine.
Molecular consequence: missense variant. On other transcripts: non-coding transcript variant (1), intron variant (2).
Genome position (GRCh38, 1-based): chr11:108,331,509, G>A. VCF-style: chr11-108331509-G-A. GRCh37 (hg19) VCF-style: chr11-108202236-G-A.
Other names: c.7581G>A, p.Met2527Ile (NM_001351834.2); c.641-22438C>T (NM_001330368.2); c.*38+3711C>T (NM_001351110.2); short protein forms M2527I.
Identifiers: ClinVar variation 838871 (VCV000838871.10), dbSNP rs2086230646, ClinGen allele CA382560770.
Genomic context (GRCh38, chr11:108,331,509, plus strand): 5'-CGGAATGAAGATTCCAACATATAAATTTTTGCCTCTTATGTACCAATTGGCTGCTAGAAT[G>A]GGGACCAAGATGATGGGAGGCCTAGGATTTCATGAAGTCCTCAATAATGTAAGTAAACCT-3'
Protein context (NP_000042.3, residues 2517-2537): LPLMYQLAAR[Met2527Ile]GTKMMGGLGF

ClinVar aggregate classification (germline): Uncertain significance (1 of 4 stars; one submission).

Conditions:
Ataxia-telangiectasia syndrome (AT). Also called: ATAXIA-TELANGIECTASIA, COMPLEMENTATION GROUP A; ATAXIA-TELANGIECTASIA, FRESNO VARIANT; Ataxia-telangiectasia; Ataxia-telangiectasia, complementation group D; AT, COMPLEMENTATION GROUP C; Ataxia-telangiectasia, complementation group E. Identifiers: Orphanet 100, MedGen C0004135, MONDO:0008840, OMIM 208900.

Submission:

Labcorp Genetics (formerly Invitae), Labcorp
Classification: Uncertain significance for Ataxia-telangiectasia syndrome. Last evaluated: 2022-08-16. Review status: criteria provided, single submitter. Criteria: Invitae Variant Classification Sherloc (09022015). Collection method: clinical testing. Allele origin: germline.
Comment: In summary, the available evidence is currently insufficient to determine the role of this variant in disease. Therefore, it has been classified as a Variant of Uncertain Significance. Algorithms developed to predict the effect of missense changes on protein structure and function are either unavailable or do not agree on the potential impact of this missense change (SIFT: "Deleterious"; PolyPhen-2: "Possibly Damaging"; Align-GVGD: "Class C0"). ClinVar contains an entry for this variant (Variation ID: 838871). This variant has not been reported in the literature in individuals affected with ATM-related conditions. This variant is not present in population databases (gnomAD no frequency). This sequence change replaces methionine, which is neutral and non-polar, with isoleucine, which is neutral and non-polar, at codon 2527 of the ATM protein (p.Met2527Ile).